The following is an entry in ClinVar:

ClinVar aggregate classification (germline): Uncertain significance. Review status: criteria provided, multiple submitters, no conflicts (2 of 4 stars). 2 submissions from 2 submitters: Uncertain significance (2). Last evaluated 2025-10-14.

Conditions:
Hereditary cancer-predisposing syndrome. Also called: Tumor predisposition; Neoplastic Syndromes, Hereditary; Hereditary neoplastic syndrome; Hereditary Cancer Syndrome. Identifiers: Orphanet 140162, MedGen C0027672, MeSH D009386, MONDO:0015356.
Retinoblastoma (RB1). Also called: RETINOBLASTOMA, SOMATIC. Identifiers: Orphanet 790, MedGen C0035335, MeSH D012175, MONDO:0008380, OMIM 180200, HP:0009919. Disease mechanism: loss of function. Inheritance: Both sporadic and heritable forms are tested..

Submissions (2):

Ambry Genetics
Classification: Uncertain significance for Hereditary cancer-predisposing syndrome. Last evaluated: 2025-10-14. Review status: criteria provided, single submitter. Criteria: Ambry Variant Classification Scheme 2023. Collection method: clinical testing. Allele origin: germline.
Comment: The p.P871L variant (also known as c.2612C>T), located in coding exon 25 of the RB1 gene, results from a C to T substitution at nucleotide position 2612. The proline at codon 871 is replaced by leucine, an amino acid with similar properties. This amino acid position is highly conserved in available vertebrate species. In addition, the in silico prediction for this alteration is inconclusive. Based on the available evidence, the clinical significance of this variant remains unclear.

Labcorp Genetics (formerly Invitae), Labcorp
Classification: Uncertain significance for Retinoblastoma. Last evaluated: 2025-04-07. Review status: criteria provided, single submitter. Criteria: Invitae Variant Classification Sherloc (09022015). Collection method: clinical testing. Allele origin: germline.
Comment: This sequence change replaces proline, which is neutral and non-polar, with leucine, which is neutral and non-polar, at codon 871 of the RB1 protein (p.Pro871Leu). This variant is not present in population databases (gnomAD no frequency). This variant has not been reported in the literature in individuals affected with RB1-related conditions. ClinVar contains an entry for this variant (Variation ID: 1016796). Invitae Evidence Modeling of protein sequence and biophysical properties (such as structural, functional, and spatial information, amino acid conservation, physicochemical variation, residue mobility, and thermodynamic stability) indicates that this missense variant is not expected to disrupt RB1 protein function with a negative predictive value of 80%. In summary, the available evidence is currently insufficient to determine the role of this variant in disease. Therefore, it has been classified as a Variant of Uncertain Significance.

NM_000321.3(RB1):c.2612C>T (p.Pro871Leu)

Gene: RB1 (RB transcriptional corepressor 1; plus strand). Cytogenetic location: 13q14.2.
Variant type: single nucleotide variant.
Coding change: c.2612C>T on transcript NM_000321.3 (MANE Select); coding-DNA position 2612, C replaced by T.
Protein change: p.Pro871Leu; replaces proline 871 with leucine.
Molecular consequence: missense variant.
Genome position (GRCh38, 1-based): chr13:48,476,792, C>T. VCF-style: chr13-48476792-C-T. GRCh37 (hg19) VCF-style: chr13-49050928-C-T.
Other names: c.2612C>T (NM_000321.2); short protein forms P871L.
Identifiers: ClinVar variation 1016796 (VCV001016796.9), dbSNP rs1949506762, ClinGen allele CA388157467.